The following is an entry in ClinVar:

ClinVar aggregate classification (germline): Pathogenic (1 of 4 stars; one submission).

Submission:

Labcorp Genetics (formerly Invitae), Labcorp
Classification: Pathogenic. Last evaluated: 2024-01-12. Review status: criteria provided, single submitter. Criteria: Invitae Variant Classification Sherloc (09022015). Collection method: clinical testing. Allele origin: germline.
Comment: This sequence change creates a premature translational stop signal (p.Glu653Metfs*17) in the PCDH15 gene. It is expected to result in an absent or disrupted protein product. Loss-of-function variants in PCDH15 are known to be pathogenic (PMID: 11398101, 11487575, 14570705). This variant is not present in population databases (gnomAD no frequency). This variant has not been reported in the literature in individuals affected with PCDH15-related conditions. For these reasons, this variant has been classified as Pathogenic.

Literature cited by the submitters: PubMed 11398101; PubMed 11487575; PubMed 14570705.

NM_001384140.1(PCDH15):c.1957_1960del (p.Glu653fs)

Gene: PCDH15 (protocadherin related 15; minus strand). Cytogenetic location: 10q21.1.
Variant type: Deletion.
Coding change: c.1957_1960del on transcript NM_001384140.1 (MANE Select); coding-DNA positions 1957 to 1960, 4 bases deleted (GAGA; older notation c.1957_1960delGAGA).
Protein change: p.Glu653fs; shifts the reading frame from glutamic acid 653.
Molecular consequence: frameshift variant. On other transcripts: intron variant (1).
Genome position (GRCh38, 1-based): chr10:54,090,021-54,090,024, TCTC deleted on the plus strand (GAGA on the coding strand, the reverse complement: PCDH15 is on the minus strand). VCF-style (leftmost placement, unchanged base first): chr10-54090020-TTCTC-T. GRCh37 (hg19) VCF-style: chr10-55849780-TTCTC-T.
Other names: c.1972_1975del, p.Glu658fs (NM_001142763.2, NM_001142771.2); c.1957_1960del, p.Glu653fs (NM_001142764.2, NM_001142766.2, NM_001142770.3 and 5 more transcripts); c.1846_1849del, p.Glu616fs (NM_001142767.2); c.1891_1894del, p.Glu631fs (NM_001142768.2, NM_001142773.2, NM_001354404.2); c.1993_1996delGAGA, p.Glu665Metfs (NM_001142769.4); c.1978_1981del, p.Glu660fs (NM_001354411.2); c.1785-10600_1785-10597del (NM_001142765.2); short protein forms E653fs, E616fs, E631fs, E660fs, E658fs, E665fs.
Identifiers: ClinVar variation 2709134 (VCV002709134.3), dbSNP rs2540011572, ClinGen allele CA2697558370.